The following is an entry in ClinVar:

ClinVar aggregate classification (germline): Pathogenic/Likely pathogenic. Review status: criteria provided, multiple submitters, no conflicts (2 of 4 stars). 4 submissions from 4 submitters: Pathogenic (2); Likely pathogenic (1). 1 of the submissions does not count toward it. Last evaluated 2025-04-11.

Conditions:
Neuromuscular disease caused by qualitative or quantitative defects of dysferlin. Also called: Qualitative or quantitative defects of dysferlin; Dysferlinopathy. Identifiers: Orphanet 207073, MedGen C2931687, MONDO:0016145.
Autosomal recessive limb-girdle muscular dystrophy type 2B (LGMDR2). Also called: Limb-Girdle Muscular Dystrophy Type 2B (LGMD2B); MUSCULAR DYSTROPHY, LIMB-GIRDLE, AUTOSOMAL RECESSIVE 2; MUSCULAR DYSTROPHY, LIMB-GIRDLE, TYPE 3; Limb-girdle muscular dystrophy, type 2B. Identifiers: Orphanet 268, MedGen C1850889, MONDO:0009676, OMIM 253601.
Miyoshi muscular dystrophy 1 (MMD1). Identifiers: Orphanet 45448, MedGen C4551973, MONDO:0024545, OMIM 254130.

Submissions (4):

Labcorp Genetics (formerly Invitae), Labcorp
Classification: Pathogenic for Neuromuscular disease caused by qualitative or quantitative defects of dysferlin. Last evaluated: 2025-04-11. Review status: criteria provided, single submitter. Criteria: Invitae Variant Classification Sherloc (09022015). Collection method: clinical testing. Allele origin: germline.
Comment: This sequence change creates a premature translational stop signal (p.Glu264*) in the DYSF gene. It is expected to result in an absent or disrupted protein product. Loss-of-function variants in DYSF are known to be pathogenic (PMID: 17698709, 20301480). This variant is not present in population databases (gnomAD no frequency). This variant has not been reported in the literature in individuals affected with DYSF-related conditions. ClinVar contains an entry for this variant (Variation ID: 198458). For these reasons, this variant has been classified as Pathogenic.

Baylor Genetics
Classification: Likely pathogenic for Miyoshi muscular dystrophy 1. Last evaluated: 2024-03-04. Review status: criteria provided, single submitter. Criteria: ACMG Guidelines, 2015. Collection method: clinical testing. Allele origin: unknown.

Eurofins Ntd Llc (ga)
Classification: Pathogenic. Last evaluated: 2015-05-13. Review status: criteria provided, single submitter. Criteria: EGL Classification Definitions 2015. Collection method: clinical testing. Allele origin: germline. Observed: 1 variant allele, 1 heterozygote.

Counsyl
Classification: Likely pathogenic for Autosomal recessive limb-girdle muscular dystrophy type 2B. Last evaluated: 2017-01-26. Review status: no assertion criteria provided. Collection method: clinical testing. Allele origin: unknown. Not counted in ClinVar's aggregate classification.

Literature cited by the submitters: PubMed 17698709 (cited by Labcorp Genetics (formerly Invitae), Labcorp); PubMed 20301480 (cited by Labcorp Genetics (formerly Invitae), Labcorp).

NM_001130987.2(DYSF):c.886G>T (p.Glu296Ter)

Gene: DYSF (dysferlin; plus strand). Cytogenetic location: 2p13.2.
Variant type: single nucleotide variant.
Coding change: c.886G>T on transcript NM_001130987.2 (MANE Select); coding-DNA position 886, G replaced by T.
Protein change: p.Glu296Ter; replaces glutamic acid 296 with a stop codon.
Molecular consequence: nonsense.
Genome position (GRCh38, 1-based): chr2:71,515,749, G>T. VCF-style: chr2-71515749-G-T. GRCh37 (hg19) VCF-style: chr2-71742879-G-T.
Other names: c.793G>T, p.Glu265Ter (NM_001130455.2, NM_001130983.2, NM_001130984.2 and 1 more transcripts); c.790G>T, p.Glu264Ter (NM_001130976.2, NM_001130977.2, NM_001130978.2 and 1 more transcripts); c.883G>T, p.Glu295Ter (NM_001130979.2, NM_001130980.2, NM_001130981.2); c.886G>T, p.Glu296Ter (NM_001130982.2, NM_001130985.2); short protein forms E264*, E296*, E265*, E295*.
Identifiers: ClinVar variation 198458 (VCV000198458.9), dbSNP rs794727851, ClinGen allele CA275391.